The following is an entry in ClinVar:

ClinVar aggregate classification (germline): Likely benign. Review status: criteria provided, multiple submitters, no conflicts (2 of 4 stars). 4 submissions from 4 submitters: Likely benign (4). Last evaluated 2026-05-18.

Conditions:
Cardiovascular phenotype. Identifiers: MedGen CN230736.
RASopathy. Also called: rasopathies; Noonan spectrum disorder. Identifiers: Orphanet 536391, MedGen C5555857, MONDO:0021060.

Allele frequency attached by ClinVar (database versions not stated): ExAC 0.00001; gnomAD 0.00001; gnomAD exomes 0.00001 and below 0.00001; TOPMed 0.00001.
gnomAD v4.1: 10 of 1,612,882 alleles (0.00062%); highest among the groups gnomAD compares: Non-Finnish European, 0.00085%; no homozygotes.

Submissions (4):

Women's Health and Genetics/Laboratory Corporation of America, LabCorp
Classification: Likely benign. Last evaluated: 2026-05-18. Review status: criteria provided, single submitter. Criteria: LabCorp Variant Classification Summary - May 2015. Collection method: clinical testing. Allele origin: germline.

Ambry Genetics
Classification: Likely benign for Cardiovascular phenotype. Last evaluated: 2023-11-08. Review status: criteria provided, single submitter. Criteria: Ambry Variant Classification Scheme 2023. Collection method: clinical testing. Allele origin: germline.

Labcorp Genetics (formerly Invitae), Labcorp
Classification: Likely benign for RASopathy. Last evaluated: 2022-12-30. Review status: criteria provided, single submitter. Criteria: Invitae Variant Classification Sherloc (09022015). Collection method: clinical testing. Allele origin: germline.

GeneDx
Classification: Likely benign. Last evaluated: 2016-01-18. Review status: criteria provided, single submitter. Criteria: GeneDx Variant Classification (06012015). Collection method: clinical testing. Allele origin: germline. Affected: yes.
Comment: This variant is considered likely benign or benign based on one or more of the following criteria: it is a conservative change, it occurs at a poorly conserved position in the protein, it is predicted to be benign by multiple in silico algorithms, and/or has population frequency not consistent with disease.

NM_002524.5(NRAS):c.87A>G (p.Val29=)

Gene: NRAS (NRAS proto-oncogene, GTPase; minus strand). Cytogenetic location: 1p13.2.
Variant type: single nucleotide variant.
Coding change: c.87A>G on transcript NM_002524.5 (MANE Select); coding-DNA position 87, A replaced by G.
Protein change: p.Val29=; no amino-acid change (valine 29 retained).
Molecular consequence: synonymous variant.
Genome position (GRCh38, 1-based): chr1:114,716,074, T>C on the plus strand (A>G on the coding strand, the complement: NRAS is on the minus strand). VCF-style: chr1-114716074-T-C. GRCh37 (hg19) VCF-style: chr1-115258695-T-C.
Other names: c.87A>G (NM_002524.4, LRG_92t1).
Identifiers: ClinVar variation 383150 (VCV000383150.12), dbSNP rs748537067, ClinGen allele CA1020780.